The following is an entry in ClinVar:

ClinVar aggregate classification (germline): Likely benign (1 of 4 stars; one submission).

Submission:

CeGaT Center for Human Genetics Tuebingen
Classification: Likely benign. Last evaluated: 2024-02-01. Review status: criteria provided, single submitter. Criteria: CeGaT Center For Human Genetics Tuebingen Variant Classification Criteria Version 2. Collection method: clinical testing. Allele origin: germline. Affected: yes. Observed: 1 variant allele.
Comment: SYNE1: PM2:Supporting, BP4, BP7

NM_182961.4(SYNE1):c.6492C>T (p.Phe2164=)

Gene: SYNE1 (spectrin repeat containing nuclear envelope protein 1; minus strand). Cytogenetic location: 6q25.2.
Variant type: single nucleotide variant.
Coding change: c.6492C>T on transcript NM_182961.4 (MANE Select); coding-DNA position 6492, C replaced by T.
Protein change: p.Phe2164=; no amino-acid change (phenylalanine 2164 retained).
Molecular consequence: synonymous variant.
Genome position (GRCh38, 1-based): chr6:152,409,116, G>A on the plus strand (C>T on the coding strand, the complement: SYNE1 is on the minus strand). VCF-style: chr6-152409116-G-A. GRCh37 (hg19) VCF-style: chr6-152730251-G-A.
Other names: c.6513C>T, p.Phe2171= (NM_033071.5).
Identifiers: ClinVar variation 3027187 (VCV003027187.22), dbSNP rs2495660916, ClinGen allele CA452761229.